The following is an entry in ClinVar:

ClinVar aggregate classification (germline): Uncertain significance (1 of 4 stars; one submission).

Conditions:
Generalized epilepsy-paroxysmal dyskinesia syndrome (PNKD3). Also called: Generalized epilepsy and paroxysmal dyskinesia; Paroxysmal nonkinesigenic dyskinesia, 3, with or without generalized epilepsy. Identifiers: Orphanet 79137, MedGen C5574945, MONDO:0012276, OMIM 609446.

Allele frequency attached by ClinVar (database versions not stated): gnomAD exomes below 0.00001; ExAC 0.00001; TOPMed 0.00001.
gnomAD v4.1: 5 of 1,599,784 alleles (0.00031%); highest among the groups gnomAD compares: Non-Finnish European, 0.00043%; no homozygotes.

Submission:

Labcorp Genetics (formerly Invitae), Labcorp
Classification: Uncertain significance for Generalized epilepsy-paroxysmal dyskinesia syndrome. Last evaluated: 2022-11-09. Review status: criteria provided, single submitter. Criteria: Invitae Variant Classification Sherloc (09022015). Collection method: clinical testing. Allele origin: germline.
Comment: This sequence change replaces asparagine, which is neutral and polar, with histidine, which is basic and polar, at codon 290 of the KCNMA1 protein (p.Asn290His). This variant is present in population databases (rs749211698, gnomAD 0.0009%). This variant has not been reported in the literature in individuals affected with KCNMA1-related conditions. Advanced modeling of protein sequence and biophysical properties (such as structural, functional, and spatial information, amino acid conservation, physicochemical variation, residue mobility, and thermodynamic stability) performed at Invitae indicates that this missense variant is not expected to disrupt KCNMA1 protein function. In summary, the available evidence is currently insufficient to determine the role of this variant in disease. Therefore, it has been classified as a Variant of Uncertain Significance.

NM_001161352.2(KCNMA1):c.868A>C (p.Asn290His)

Gene: KCNMA1 (potassium calcium-activated channel subfamily M alpha 1; minus strand). Cytogenetic location: 10q22.3.
Variant type: single nucleotide variant.
Coding change: c.868A>C on transcript NM_001161352.2 (MANE Select); coding-DNA position 868, A replaced by C.
Protein change: p.Asn290His; replaces asparagine 290 with histidine.
Molecular consequence: missense variant.
Genome position (GRCh38, 1-based): chr10:77,120,989, T>G on the plus strand (A>C on the coding strand, the complement: KCNMA1 is on the minus strand). VCF-style: chr10-77120989-T-G. GRCh37 (hg19) VCF-style: chr10-78880747-T-G.
Other names: c.868A>C, p.Asn290His (NM_001014797.3, NM_001161353.2, NM_001271519.2 and 8 more transcripts); c.706A>C, p.Asn236His (NM_001271518.2); c.328A>C, p.Asn110His (NM_001322838.2); short protein forms N110H, N236H, N290H.
Identifiers: ClinVar variation 2961794 (VCV002961794.3), dbSNP rs749211698, ClinGen allele CA5568595.